The following is an entry in ClinVar:

NM_004415.4(DSP):c.7546A>G (p.Arg2516Gly)

Gene: DSP (desmoplakin; plus strand). Cytogenetic location: 6p24.3.
Variant type: single nucleotide variant.
Coding change: c.7546A>G on transcript NM_004415.4 (MANE Select); coding-DNA position 7546, A replaced by G.
Protein change: p.Arg2516Gly; replaces arginine 2516 with glycine.
Molecular consequence: missense variant.
Genome position (GRCh38, 1-based): chr6:7,584,808, A>G. VCF-style: chr6-7584808-A-G. GRCh37 (hg19) VCF-style: chr6-7585041-A-G.
Other names: c.5749A>G, p.Arg1917Gly (NM_001008844.3); c.6217A>G, p.Arg2073Gly (NM_001319034.2); short protein forms R2516G, R1917G, R2073G.
Identifiers: ClinVar variation 925934 (VCV000925934.8), dbSNP rs1304859870, ClinGen allele CA362693252.
Genomic context (GRCh38, chr6:7,584,808, plus strand): 5'-CTGTGTGAGCAGGAATGTGAATGGGAAGAAATAACCATCACGGGATCAGATGGCTCCACC[A>G]GGGTGGTCCTGGTAGATAGAAAGACAGGCAGTCAGTATGATATTCAAGATGCTATTGACA-3'
Protein context (NP_004406.2, residues 2506-2526): ITITGSDGST[Arg2516Gly]VVLVDRKTGS

ClinVar aggregate classification (germline): Uncertain significance. Review status: criteria provided, multiple submitters, no conflicts (2 of 4 stars). 4 submissions from 4 submitters: Uncertain significance (4). Last evaluated 2025-06-26.

Conditions:
Cardiovascular phenotype. Identifiers: MedGen CN230736.
Cardiomyopathy (CMYO). Also called: Cardiomyopathies. Identifiers: Orphanet 167848, MedGen C0878544, MONDO:0004994, HP:0001638. Inheritance: Various modes of inheritance.
Arrhythmogenic cardiomyopathy with wooly hair and keratoderma. Also called: PALMOPLANTAR KERATODERMA WITH LEFT VENTRICULAR CARDIOMYOPATHY AND WOOLLY HAIR; Carvajal syndrome; Dilated cardiomyopathy with woolly hair and keratoderma; Arrhythmogenic cardiomyopathy with woolly hair and keratoderma. Identifiers: Orphanet 65282, MedGen C1854063, MONDO:0011581, OMIM 605676.

Allele frequency attached by ClinVar (database versions not stated): TOPMed below 0.00001.
gnomAD v4.1: 1 of 1,614,242 alleles (0.000062%); highest among the groups gnomAD compares: African/African-American, 0.0013%; no homozygotes.

Submissions (4):

GeneDx
Classification: Uncertain significance. Last evaluated: 2025-06-26. Review status: criteria provided, single submitter. Criteria: GeneDx Variant Classification Process June 2021. Collection method: clinical testing. Allele origin: germline. Affected: yes.
Comment: Not observed at significant frequency in large population cohorts (gnomAD); In silico analysis supports that this missense variant has a deleterious effect on protein structure/function; Has not been previously published as pathogenic or benign to our knowledge

Ambry Genetics
Classification: Uncertain significance for Cardiovascular phenotype. Last evaluated: 2024-11-09. Review status: criteria provided, single submitter. Criteria: Ambry Variant Classification Scheme 2023. Collection method: clinical testing. Allele origin: germline.

Color Diagnostics, LLC DBA Color Health
Classification: Uncertain significance for Cardiomyopathy. Last evaluated: 2024-03-06. Review status: criteria provided, single submitter. Criteria: ACMG Guidelines, 2015. Collection method: clinical testing. Allele origin: germline.
Comment: This missense variant replaces arginine with glycine at codon 2516 of the DSP protein. Computational prediction is inconclusive regarding the impact of this variant on protein structure and function (internally defined REVEL score threshold 0.5 < inconclusive < 0.7, PMID: 27666373). To our knowledge, functional studies have not been reported for this variant. This variant has not been reported in individuals affected with cardiovascular disorders in the literature. This variant has been identified in 1/251494 chromosomes in the general population by the Genome Aggregation Database (gnomAD). The available evidence is insufficient to determine the role of this variant in disease conclusively. Therefore, this variant is classified as a Variant of Uncertain Significance.

All of Us Research Program, National Institutes of Health
Classification: Uncertain significance for Arrhythmogenic cardiomyopathy with wooly hair and keratoderma. Last evaluated: 2023-08-15. Review status: criteria provided, single submitter. Criteria: ACMG Guidelines, 2015. Collection method: clinical testing. Allele origin: germline. Inheritance: Autosomal dominant inheritance. Observed: 1 variant allele, 1 heterozygote.
Comment: This missense variant replaces arginine with glycine at codon 2516 of the DSP protein. Computational prediction is inconclusive regarding the impact of this variant on protein structure and function (internally defined REVEL score threshold 0.5 < inconclusive < 0.7, PMID: 27666373). To our knowledge, functional studies have not been reported for this variant. This variant has not been reported in individuals affected with cardiovascular disorders in the literature. This variant has been identified in 1/251494 chromosomes in the general population by the Genome Aggregation Database (gnomAD). The available evidence is insufficient to determine the role of this variant in disease conclusively. Therefore, this variant is classified as a Variant of Uncertain Significance.

This study involves interpretation of variants in research participants for the purpose of population health screening. Participant phenotype was not available at the time of variant classification. Additional details can be found in publication PMID: 35346344, PMCID: PMC8962531